The following is an entry in ClinVar:

NM_001367823.1(ARHGEF18):c.322C>T (p.Arg108Ter)

Gene: ARHGEF18 (Rho/Rac guanine nucleotide exchange factor 18; plus strand). Cytogenetic location: 19p13.2.
Variant type: single nucleotide variant.
Coding change: c.322C>T on transcript NM_001367823.1 (MANE Select); coding-DNA position 322, C replaced by T.
Protein change: p.Arg108Ter; replaces arginine 108 with a stop codon.
Molecular consequence: nonsense.
Genome position (GRCh38, 1-based): chr19:7,375,766, C>T. VCF-style: chr19-7375766-C-T. GRCh37 (hg19) VCF-style: chr19-7440652-C-T.
Other names: short protein forms R108*.
Identifiers: ClinVar variation 4850475 (VCV004850475.1).

ClinVar aggregate classification (germline): Likely pathogenic (1 of 4 stars; one submission).

Conditions:
Retinitis pigmentosa 78 (RP78). Identifiers: MedGen C4479481, MONDO:0044314, OMIM 617433.

gnomAD v4.1: 127 of 1,234,522 alleles (0.01%); highest among the groups gnomAD compares: Admixed American, 0.042%; no homozygotes.

Submission:

First Genomix Gene Laboratory, Genetic Diagnostics Department
Classification: Likely pathogenic for Retinitis pigmentosa 78. Last evaluated: 2025-08-22. Review status: criteria provided, single submitter. Criteria: ACMG Guidelines, 2015. Collection method: clinical testing. Allele origin: germline. Inheritance: Autosomal recessive inheritance. Affected: no. Observed: 1 variant allele.